The following is an entry in ClinVar:

ClinVar aggregate classification (germline): Uncertain significance (1 of 4 stars; one submission).

Conditions:
Ataxia-telangiectasia syndrome (AT). Also called: ATAXIA-TELANGIECTASIA, COMPLEMENTATION GROUP A; ATAXIA-TELANGIECTASIA, FRESNO VARIANT; Ataxia-telangiectasia, complementation group D; AT, COMPLEMENTATION GROUP C; Ataxia-telangiectasia; LOUIS-BAR SYNDROME. Identifiers: Orphanet 100, MedGen C0004135, MONDO:0008840, OMIM 208900.

Allele frequency attached by ClinVar (database versions not stated): gnomAD exomes below 0.00001.

Submission:

Labcorp Genetics (formerly Invitae), Labcorp
Classification: Uncertain significance for Ataxia-telangiectasia syndrome. Last evaluated: 2021-12-25. Review status: criteria provided, single submitter. Criteria: Invitae Variant Classification Sherloc (09022015). Collection method: clinical testing. Allele origin: germline.
Comment: This sequence change replaces arginine, which is basic and polar, with glycine, which is neutral and non-polar, at codon 1106 of the ATM protein (p.Arg1106Gly). This variant is not present in population databases (gnomAD no frequency). This variant has not been reported in the literature in individuals affected with ATM-related conditions. Advanced modeling of protein sequence and biophysical properties (such as structural, functional, and spatial information, amino acid conservation, physicochemical variation, residue mobility, and thermodynamic stability) performed at Invitae indicates that this missense variant is not expected to disrupt ATM protein function. In summary, the available evidence is currently insufficient to determine the role of this variant in disease. Therefore, it has been classified as a Variant of Uncertain Significance.

NM_000051.4(ATM):c.3316A>G (p.Arg1106Gly)

Gene: ATM (ATM serine/threonine kinase; plus strand). Cytogenetic location: 11q22.3.
Variant type: single nucleotide variant.
Coding change: c.3316A>G on transcript NM_000051.4 (MANE Select); coding-DNA position 3316, A replaced by G.
Protein change: p.Arg1106Gly; replaces arginine 1106 with glycine.
Molecular consequence: missense variant.
Genome position (GRCh38, 1-based): chr11:108,279,522, A>G. VCF-style: chr11-108279522-A-G. GRCh37 (hg19) VCF-style: chr11-108150249-A-G.
Other names: c.3316A>G, p.Arg1106Gly (NM_001351834.2); short protein forms R1106G.
Identifiers: ClinVar variation 1950423 (VCV001950423.5), dbSNP rs2135643101, ClinGen allele CA382517452.